The following is an entry in ClinVar:

ClinVar aggregate classification (germline): Uncertain significance (1 of 4 stars; one submission).

Conditions:
Liang-Wang syndrome. Identifiers: Orphanet 664438, MedGen C5231479, MONDO:0032886, OMIM 618729.

Submission:

Victorian Clinical Genetics Services, Murdoch Childrens Research Institute
Classification: Uncertain significance for Liang-Wang syndrome. Last evaluated: 2023-07-17. Review status: criteria provided, single submitter. Criteria: ACMG Guidelines, 2015. Collection method: clinical testing. Allele origin: germline. Inheritance: Autosomal dominant inheritance. Affected: yes.
Comment: Based on the classification scheme VCGS_Germline_v1.3.4, this variant is classified as VUS-3A. Following criteria are met: 0103 - Loss of function and gain of function are known mechanisms of disease in this gene and are associated with cerebellar atrophy, developmental delay, and seizures (CADDS; MIM#617643), and paroxysmal nonkinesigenic dyskinesia, 3 with or without generalized epilepsy (PNKD3; MIM#609446), respectively (OMIM). Missense variants have been reported in individuals with PNKD3, while those resulting in a premature termination codon and rare missense variants have been reported in biallelic individuals with CADDS (PMID: 31152168, PMID: 29330545). Additionally, missense variants causing Liang-Wang syndrome (MIM#618729) have been functionally proven to have a loss of function effect; however, a dominant negative mechanism is speculated (PMID: 31152168). (I) 0108 - This gene is associated with both recessive and dominant disease. Mainly CADDS has been reported in biallelic individuals (OMIM). (I) 0200 - Variant is predicted to result in a missense amino acid change from asparagine to histidine. (I) 0251 - This variant is heterozygous. (I) 0301 - Variant is absent from gnomAD (both v2 and v3). (SP) 0502 - Missense variant with conflicting in silico predictions and uninformative conservation. (I) 0604 - Variant is not located in an established domain, motif, hotspot or informative constraint region. (I) 0705 - No comparable missense variants have previous evidence for pathogenicity. (I) 0807 - This variant has no previous evidence of pathogenicity. (I) 0905 - No published segregation evidence has been identified for this variant. (I) 1007 - No published functional evidence has been identified for this variant. (SP) Legend: (SP) - Supporting pathogenic, (I) - Information, (SB) - Supporting benign

Literature cited by the submitters: PubMed 29330545; PubMed 31152168.

NM_001161352.2(KCNMA1):c.1513A>C (p.Asn505His)

Gene: KCNMA1 (potassium calcium-activated channel subfamily M alpha 1; minus strand). Cytogenetic location: 10q22.3.
Variant type: single nucleotide variant.
Coding change: c.1513A>C on transcript NM_001161352.2 (MANE Select); coding-DNA position 1513, A replaced by C.
Protein change: p.Asn505His; replaces asparagine 505 with histidine.
Molecular consequence: missense variant.
Genome position (GRCh38, 1-based): chr10:77,084,647, T>G on the plus strand (A>C on the coding strand, the complement: KCNMA1 is on the minus strand). VCF-style: chr10-77084647-T-G. GRCh37 (hg19) VCF-style: chr10-78844405-T-G.
Other names: c.1513A>C, p.Asn505His (NM_001014797.3, NM_001161353.2, NM_001271519.2 and 8 more transcripts); c.1351A>C, p.Asn451His (NM_001271518.2); c.973A>C, p.Asn325His (NM_001322838.2); short protein forms N325H, N451H, N505H.
Identifiers: ClinVar variation 3376750 (VCV003376750.1).